The following is an entry in ClinVar:

ClinVar aggregate classification (germline): Conflicting classifications of pathogenicity. Review status: criteria provided, conflicting classifications (1 of 4 stars). 8 submissions from 8 submitters: Uncertain significance (5); Likely benign (3). Last evaluated 2026-06-23.

Conditions:
Van Maldergem syndrome 1 (VMLDS1). Also called: Van Maldergem syndrome 1 (VMLDS1). Identifiers: Orphanet 314679, MedGen C4551950, MONDO:0011070, OMIM 601390.
Inborn genetic diseases. Identifiers: MedGen C0950123, MeSH D030342.

Allele frequency attached by ClinVar (database versions not stated): 1000 Genomes Project 30x 0.00016; 1000 Genomes Project 0.00020; ESP Exome Variant Server 0.00046; gnomAD 0.00077 and 0.00082; TOPMed 0.00087; ExAC 0.00094; gnomAD exomes 0.00095 and 0.00109.

Submissions (9):

Women's Health and Genetics/Laboratory Corporation of America, LabCorp
Classification: Uncertain significance. Last evaluated: 2026-06-23. Review status: criteria provided, single submitter. Criteria: LabCorp Variant Classification Summary - May 2015. Collection method: clinical testing. Allele origin: germline.
Comment: Variant summary: DCHS1 c.704G>A (p.Arg235Gln) results in a conservative amino acid change in the encoded protein sequence. Algorithms developed to predict the effect of missense changes on protein structure and function are either unavailable or do not agree on the potential impact of this missense change. The variant allele was found at a frequency of 0.00092 in 281932 control chromosomes, predominantly at a frequency of 0.002 within the Ashkenazi Jewish subpopulation in the gnomAD v4 database. This frequency is not significantly higher than estimated for disease-causing variants in DCHS1, allowing no conclusion about variant significance. c.704G>A has been observed in one individual affected with sudden infant death syndrome (Neubauer_2017). The report does not provide unequivocal conclusions about association of the variant with disease. To our knowledge, no experimental evidence demonstrating an impact on protein function has been reported. The following publication have been ascertained in the context of this evaluation (PMID: 28074886). ClinVar contains an entry for this variant (Variation ID: 451612). Based on the evidence outlined above, the variant was classified as uncertain significance.

CeGaT Center for Human Genetics Tuebingen
Classification: Likely benign. Last evaluated: 2026-03-01. Review status: criteria provided, single submitter. Criteria: CeGaT Center For Human Genetics Tuebingen Variant Classification Criteria Version 2. Collection method: clinical testing. Allele origin: germline. Affected: yes. Observed: 4 variant alleles.
Comment: DCHS1: BP4

Labcorp Genetics (formerly Invitae), Labcorp
Classification: Likely benign. Last evaluated: 2026-01-31. Review status: criteria provided, single submitter. Criteria: Invitae Variant Classification Sherloc (09022015). Collection method: clinical testing. Allele origin: germline.

GeneDx
Classification: Uncertain significance. Last evaluated: 2026-01-23. Review status: criteria provided, single submitter. Criteria: GeneDx Variant Classification Process June 2021. Collection method: clinical testing. Allele origin: germline. Affected: yes.
Comment: Reported in an individual tested as part of a sudden infant death syndrome cohort in published literature; additional information was not provided (PMID: 28074886); In silico analysis suggests that this missense variant does not alter protein structure/function; This variant is associated with the following publications: (PMID: 28074886, 32461654, 28518168)

Ambry Genetics
Classification: Likely benign for Inborn genetic diseases. Last evaluated: 2022-02-04. Review status: criteria provided, single submitter. Criteria: Ambry Variant Classification Scheme 2023. Collection method: clinical testing. Allele origin: germline.

ARUP Laboratories, Molecular Genetics and Genomics, ARUP Laboratories
Classification: Uncertain significance. Last evaluated: 2019-10-30. Review status: criteria provided, single submitter. Criteria: ARUP Molecular Germline Variant Investigation Process. Collection method: clinical testing. Allele origin: germline.

Baylor Genetics
Classification: Uncertain significance for Van Maldergem syndrome 1. Last evaluated: 2018-04-02. Review status: criteria provided, single submitter. Criteria: ACMG Guidelines, 2015. Collection method: clinical testing. Allele origin: unknown. Affected: yes.
Comment: This variant was determined to be of uncertain significance according to ACMG Guidelines, 2015 [PMID:25741868].

Neuberg Centre For Genomic Medicine, NCGM
Classification: Uncertain significance for Van Maldergem syndrome 1. Review status: criteria provided, single submitter. Criteria: ACMG Guidelines, 2015. Collection method: clinical testing. Allele origin: germline. Inheritance: Autosomal recessive inheritance. Affected: yes.
Comment: The missense variant in c.704G>A (p.Arg235Gln) in DCHS1 gene has not been reported previously as a pathogenic variant nor as a benign variant, to our knowledge. The p.Arg235Gln variant is reported with the allele frequency of 0.09151% in gnomAD database and is novel (not in any individuals) in 1000 Genomes. The amino acid Arg at position 235 is changed to a Gln changing protein sequence and it might alter its composition and physico-chemical properties. This variant has been reported to the ClinVar database as Uncertain significance. The variant is predicted to be damaging by PolyPhen2 and the residue is conserved across species. The amino acid change p.Arg235Gln in DCHS1 is predicted as conserved by GERP++ and PhyloP across 100 vertebrates For these reasons, this variant has been classified as Uncertain Significance. In the absence of another reportable variant the molecular diagnosis is not confirmed.

Dr. Peter K. Rogan Lab, Western University
No classification provided (evidence only). Condition: Malignant tumor of urinary bladder. Review status: no classification provided. Collection method: in vitro. Allele origin: not applicable. Functional consequence: retained intron. Not counted in ClinVar's aggregate classification.

Literature cited by the submitters: PubMed 28074886 (cited by Women's Health and Genetics/Laboratory Corporation of America, LabCorp); PubMed 28518168 (cited by Ambry Genetics); PubMed 32461654 (cited by Ambry Genetics).

NM_003737.4(DCHS1):c.704G>A (p.Arg235Gln)

Gene: DCHS1 (dachsous cadherin-related 1; minus strand). Cytogenetic location: 11p15.4.
Variant type: single nucleotide variant.
Coding change: c.704G>A on transcript NM_003737.4 (MANE Select); coding-DNA position 704, G replaced by A.
Protein change: p.Arg235Gln; replaces arginine 235 with glutamine.
Molecular consequence: missense variant.
Genome position (GRCh38, 1-based): chr11:6,640,910, C>T on the plus strand (G>A on the coding strand, the complement: DCHS1 is on the minus strand). VCF-style: chr11-6640910-C-T. GRCh37 (hg19) VCF-style: chr11-6662141-C-T.
Other names: c.704G>A (NM_003737.2); short protein forms R235Q.
Identifiers: ClinVar variation 451612 (VCV000451612.50), dbSNP rs143767864, ClinGen allele CA5861103.